The following is an entry in ClinVar:

ClinVar aggregate classification (germline): Uncertain significance. Review status: criteria provided, multiple submitters, no conflicts (2 of 4 stars). 3 submissions from 3 submitters: Uncertain significance (3). Last evaluated 2025-11-12.

Conditions:
2-aminoadipic 2-oxoadipic aciduria (AAKAD). Also called: Aminoadipic aciduria; ALPHA-AMINOADIPIC AND ALPHA-KETOADIPIC ACIDURIA. Identifiers: Orphanet 79154, MedGen C1859817, MONDO:0008774, OMIM 204750.
Inborn genetic diseases. Identifiers: MedGen C0950123, MeSH D030342.

Allele frequency attached by ClinVar (database versions not stated): gnomAD exomes below 0.00001; TOPMed below 0.00001; ExAC 0.00002; gnomAD 0.00003.
gnomAD v4.1: 8 of 1,613,996 alleles (0.0005%); highest among the groups gnomAD compares: African/African-American, 0.0013%; no homozygotes.

Submissions (3):

Ambry Genetics
Classification: Uncertain significance for Inborn genetic diseases. Last evaluated: 2025-11-12. Review status: criteria provided, single submitter. Criteria: Ambry Variant Classification Scheme 2023. Collection method: clinical testing. Allele origin: germline.

Blueprint Genetics
Classification: Uncertain significance. Last evaluated: 2023-09-19. Review status: criteria provided, single submitter. Criteria: ACMG Guidelines, 2015. Collection method: clinical testing. Allele origin: germline.

Labcorp Genetics (formerly Invitae), Labcorp
Classification: Uncertain significance for 2-aminoadipic 2-oxoadipic aciduria. Last evaluated: 2022-06-27. Review status: criteria provided, single submitter. Criteria: Invitae Variant Classification Sherloc (09022015). Collection method: clinical testing. Allele origin: germline.
Comment: In summary, the available evidence is currently insufficient to determine the role of this variant in disease. Therefore, it has been classified as a Variant of Uncertain Significance. Experimental studies and prediction algorithms are not available or were not evaluated, and the functional significance of this variant is currently unknown. This variant has not been reported in the literature in individuals affected with DHTKD1-related conditions. Information on the frequency of this variant in the gnomAD database is not available, as this variant may be reported differently in the database. This sequence change replaces glutamic acid, which is acidic and polar, with lysine, which is basic and polar, at codon 647 of the DHTKD1 protein (p.Glu647Lys).

NM_018706.7(DHTKD1):c.1939G>A (p.Glu647Lys)

Gene: DHTKD1 (dehydrogenase E1 and transketolase domain containing 1; plus strand). Cytogenetic location: 10p14.
Variant type: single nucleotide variant.
Coding change: c.1939G>A on transcript NM_018706.7 (MANE Select); coding-DNA position 1939, G replaced by A.
Protein change: p.Glu647Lys; replaces glutamic acid 647 with lysine.
Molecular consequence: missense variant.
Genome position (GRCh38, 1-based): chr10:12,106,288, G>A. VCF-style: chr10-12106288-G-A. GRCh37 (hg19) VCF-style: chr10-12148287-G-A.
Other names: c.1939G>A (NM_018706.5); short protein forms E647K.
Identifiers: ClinVar variation 2873862 (VCV002873862.5), dbSNP rs780139497, ClinGen allele CA5408081.
Genomic context (GRCh38, chr10:12,106,288, plus strand): 5'-TCTCTTCTCTGGGATTAGGTCAGCAACAGCCCACTGTCAGAAGAGGCCGTCCTGGGATTT[G>A]AATATGGGATGAGCATTGAGAGCCCAAAGTTACTGCCCCTGTGGGAGGCACAGTTTGGCG-3'
Protein context (NP_061176.4, residues 637-657): PLSEEAVLGF[Glu647Lys]YGMSIESPKL